The following is an entry in ClinVar:

NM_004522.3(KIF5C):c.1700C>T (p.Thr567Ile)

Gene: KIF5C (kinesin family member 5C; plus strand). Cytogenetic location: 2q23.1.
Variant type: single nucleotide variant.
Coding change: c.1700C>T on transcript NM_004522.3 (MANE Select); coding-DNA position 1700, C replaced by T.
Protein change: p.Thr567Ile; replaces threonine 567 with isoleucine.
Molecular consequence: missense variant. On other transcripts: non-coding transcript variant (1).
Genome position (GRCh38, 1-based): chr2:148,983,750, C>T. VCF-style: chr2-148983750-C-T. GRCh37 (hg19) VCF-style: chr2-149840264-C-T.
Other names: short protein forms T567I.
Identifiers: ClinVar variation 1699156 (VCV001699156.3), dbSNP rs1297108227, ClinGen allele CA348738036.
Genomic context (GRCh38, chr2:148,983,750, plus strand): 5'-CAACTGAGATCCTGAATTTGCTGTTGAAAGATCTGGGGGAGATAGGTGGAATTATTGGCA[C>T]CAATGATGTGAAAACTGTAAGCCAGCCCTTCTTTTATCCTCTCTACCTGCTCCTGTCAAG-3'
Protein context (NP_004513.1, residues 557-577): DLGEIGGIIG[Thr567Ile]NDVKTLADVN

ClinVar aggregate classification (germline): Uncertain significance (1 of 4 stars; one submission).

Conditions:
Complex cortical dysplasia with other brain malformations 2. Identifiers: MedGen C3809013, MONDO:0014116, OMIM 615282.

Allele frequency attached by ClinVar (database versions not stated): gnomAD exomes below 0.00001; gnomAD 0.00001.
gnomAD v4.1: 15 of 1,606,856 alleles (0.00093%); highest among the groups gnomAD compares: Non-Finnish European, 0.0013%; no homozygotes.

Submission:

Victorian Clinical Genetics Services, Murdoch Childrens Research Institute
Classification: Uncertain significance for Complex cortical dysplasia with other brain malformations 2. Last evaluated: 2022-02-02. Review status: criteria provided, single submitter. Criteria: ACMG Guidelines, 2015. Collection method: clinical testing. Allele origin: germline. Inheritance: Autosomal dominant inheritance. Affected: yes.
Comment: Based on the classification scheme VCGS_Germline_v1.3.4, this variant is classified as VUS-3B. Following criteria are met: 0105 - The mechanism of disease for this gene is not clearly established, however a dominant negative mechanism for missense variants has been suggested (PMID: 24812067). (I) 0107 - This gene is associated with autosomal dominant disease. (I) 0200 - Variant is predicted to result in a missense amino acid change from threonine to isoleucine. (I) 0251 - This variant is heterozygous. (I) 0302 - Variant is present in gnomAD (v2, v3) <0.001 for a dominant condition (2 heterozygotes, 0 homozygotes). (SP) 0502 - Missense variant with conflicting in silico predictions and uninformative conservation. (I) 0604 - Variant is not located in an established domain, motif, hotspot or informative constraint region. (I) 0705 - No comparable missense variants have previous evidence for pathogenicity. (I) 0807 - This variant has no previous evidence of pathogenicity. (I) 0905 - No published segregation evidence has been identified for this variant. (I) 1007 - No published functional evidence has been identified for this variant. (I) 1208 - Inheritance information for this variant is not currently available in this individual. (I) Legend: (SP) - Supporting pathogenic, (I) - Information, (SB) - Supporting benign

Literature cited by the submitters: PubMed 24812067.